The following is an entry in ClinVar:

ClinVar aggregate classification (germline): Uncertain significance (1 of 4 stars; one submission).

Conditions:
Autosomal dominant nocturnal frontal lobe epilepsy 5. Also called: Epilepsy, nocturnal frontal lobe, 5; CILIARY DYSKINESIA, PRIMARY, 28, WITHOUT SITUS INVERSUS; CILIARY DYSKINESIA, PRIMARY, 28, WITH SITUS INVERSUS; KCNT1-Related Epilepsy. Identifiers: Orphanet 98784, MedGen C3554306, MONDO:0014002, OMIM 615005.
Developmental and epileptic encephalopathy, 14 (DEE14). Also called: Early infantile epileptic encephalopathy 14. Identifiers: Orphanet 293181, MedGen C3554195, MONDO:0013989, OMIM 614959.

Allele frequency attached by ClinVar (database versions not stated): TOPMed below 0.00001.

Submission:

Labcorp Genetics (formerly Invitae), Labcorp
Classification: Uncertain significance for Autosomal dominant nocturnal frontal lobe epilepsy 5; Developmental and epileptic encephalopathy, 14. Last evaluated: 2025-04-02. Review status: criteria provided, single submitter. Criteria: Invitae Variant Classification Sherloc (09022015). Collection method: clinical testing. Allele origin: germline.
Comment: This sequence change replaces isoleucine, which is neutral and non-polar, with valine, which is neutral and non-polar, at codon 207 of the KCNT1 protein (p.Ile207Val). This variant is not present in population databases (gnomAD no frequency). This variant has not been reported in the literature in individuals affected with KCNT1-related conditions. ClinVar contains an entry for this variant (Variation ID: 2936295). Invitae Evidence Modeling of protein sequence and biophysical properties (such as structural, functional, and spatial information, amino acid conservation, physicochemical variation, residue mobility, and thermodynamic stability) indicates that this missense variant is not expected to disrupt KCNT1 protein function with a negative predictive value of 80%. In summary, the available evidence is currently insufficient to determine the role of this variant in disease. Therefore, it has been classified as a Variant of Uncertain Significance.

NM_020822.3(KCNT1):c.619A>G (p.Ile207Val)

Gene: KCNT1 (potassium sodium-activated channel subfamily T member 1; plus strand). Cytogenetic location: 9q34.3.
Variant type: single nucleotide variant.
Coding change: c.619A>G on transcript NM_020822.3 (MANE Select); coding-DNA position 619, A replaced by G.
Protein change: p.Ile207Val; replaces isoleucine 207 with valine.
Molecular consequence: missense variant.
Genome position (GRCh38, 1-based): chr9:135,757,174, A>G. VCF-style: chr9-135757174-A-G. GRCh37 (hg19) VCF-style: chr9-138649020-A-G.
Other names: c.475A>G, p.Ile159Val (NM_001272003.2); short protein forms I207V, I159V.
Identifiers: ClinVar variation 2936295 (VCV002936295.3), dbSNP rs1831551067, ClinGen allele CA375497245.
Genomic context (GRCh38, chr9:135,757,174, plus strand): 5'-CACCCTCCATCGCCCCCGCTGATACCCCCCGTTTGGCCCCAGGGCAACATCTGGGAGCAG[A>G]TCTTCCGCGTGTCCTTCGTCCTGGAGATGATCAACACTCTGCCCTTCATCATCACGGTGG-3'
Protein context (NP_065873.2, residues 197-217): LSYKGNIWEQ[Ile207Val]FRVSFVLEMI